The following is an entry in ClinVar:

NM_001792.5(CDH2):c.1732T>A (p.Ser578Thr)

Gene: CDH2 (cadherin 2; minus strand). Cytogenetic location: 18q12.1.
Variant type: single nucleotide variant.
Coding change: c.1732T>A on transcript NM_001792.5 (MANE Select); coding-DNA position 1732, T replaced by A.
Protein change: p.Ser578Thr; replaces serine 578 with threonine.
Molecular consequence: missense variant.
Genome position (GRCh38, 1-based): chr18:27,988,533, A>T on the plus strand (T>A on the coding strand, the complement: CDH2 is on the minus strand). VCF-style: chr18-27988533-A-T. GRCh37 (hg19) VCF-style: chr18-25568497-A-T.
Other names: c.1639T>A, p.Ser547Thr (NM_001308176.2); short protein forms S547T, S578T.
Identifiers: ClinVar variation 4868420 (VCV004868420.1).
Genomic context (GRCh38, chr18:27,988,533, plus strand): 5'-ATGAGGATCTACTGTCTTTCATCAACATACAAGAAAAAACAGCGAACATACCATTGTCAG[A>T]AGCAAGGAAAGTAGCATTATATATATTGTTTTTCACATTTGGTGATTCTCGGTCCAAAAC-3'
Protein context (NP_001783.2, residues 568-588): NNIYNATFLA[Ser578Thr]DNGIPPMSGT

ClinVar aggregate classification (germline): Uncertain significance (1 of 4 stars; one submission).

Conditions:
Inborn genetic diseases. Identifiers: MedGen C0950123, MeSH D030342.

Submission:

Ambry Genetics
Classification: Uncertain significance for Inborn genetic diseases. Last evaluated: 2026-03-29. Review status: criteria provided, single submitter. Criteria: Ambry Variant Classification Scheme 2023. Collection method: clinical testing. Allele origin: germline.
Comment: The p.S578T variant (also known as c.1732T>A), located in coding exon 11 of the CDH2 gene, results from a T to A substitution at nucleotide position 1732. The serine at codon 578 is replaced by threonine, an amino acid with similar properties. This amino acid position is conserved. In addition, this alteration is predicted to be tolerated by in silico analysis. Based on the available evidence, the clinical significance of this variant remains unclear.